The following is an entry in ClinVar:

ClinVar aggregate classification (germline): Benign (0 of 4 stars; one submission).

Conditions:
SHROOM2-related disorder. Also called: SHROOM2-related condition.

Allele frequency attached by ClinVar (database versions not stated): ESP Exome Variant Server 0.84178; 1000 Genomes Project 30x 0.85369; TOPMed 0.85575; 1000 Genomes Project 0.86199; ExAC 0.93037.

Submission:

PreventionGenetics, part of Exact Sciences
Classification: Benign for SHROOM2-related condition. Last evaluated: 2024-07-29. Review status: no assertion criteria provided. Collection method: clinical testing. Allele origin: germline.
Comment: This variant is classified as benign based on ACMG/AMP sequence variant interpretation guidelines (Richards et al. 2015 PMID: 25741868, with internal and published modifications).

NM_001649.4(SHROOM2):c.399A>G (p.Pro133=)

Gene: SHROOM2 (shroom family member 2; plus strand). Cytogenetic location: Xp22.2.
Variant type: single nucleotide variant.
Coding change: c.399A>G on transcript NM_001649.4 (MANE Select); coding-DNA position 399, A replaced by G.
Protein change: p.Pro133=; no amino-acid change (proline 133 retained).
Molecular consequence: synonymous variant.
Genome position (GRCh38, 1-based): chrX:9,891,058, A>G. VCF-style: chrX-9891058-A-G. GRCh37 (hg19) VCF-style: chrX-9859098-A-G.
Identifiers: ClinVar variation 3059401 (VCV003059401.2), dbSNP rs6640543, ClinGen allele CA10345176.